The following is an entry in ClinVar:

NM_144966.5(FREM1):c.*1865T>C

Gene: FREM1 (FRAS1 related extracellular matrix 1; minus strand). Cytogenetic location: 9p22.3.
Variant type: single nucleotide variant.
Coding change: c.*1865T>C on transcript NM_144966.5; 1865 bases downstream of the stop codon, T replaced by C.
Genome position (GRCh38, 1-based): chr9:14,735,531, A>G on the plus strand (T>C on the coding strand, the complement: FREM1 is on the minus strand). VCF-style: chr9-14735531-A-G. GRCh37 (hg19) VCF-style: chr9-14735529-A-G.
Identifiers: ClinVar variation 366066 (VCV000366066.8), dbSNP rs1494342, ClinGen allele CA10629697.
Genomic context (GRCh38, chr9:14,735,531, plus strand): 5'-TCTTTATGCTAACATTTGCAATTAGTTCAGTATCATTTATCATTTATATTGCAGAAATGT[A>G]TAATAAATCTGCCATGCTGACAAGGTTCTACACAGTTGACATAGTTCTAGATTTCCAGTT-3'

ClinVar aggregate classification (germline): Benign. Review status: criteria provided, multiple submitters, no conflicts (2 of 4 stars). 2 submissions from 2 submitters: Benign (2). Last evaluated 2018-01-12.

Conditions:
Oculotrichoanal syndrome (MOTA). Also called: MARLES SYNDROME; Manitoba Oculotrichoanal (MOTA) Syndrome. Identifiers: Orphanet 2717, MedGen C1855425, MONDO:0009560, OMIM 248450.

Allele frequency attached by ClinVar (database versions not stated): 1000 Genomes Project 30x 0.72689; TOPMed 0.73401; 1000 Genomes Project 0.72344.

Submissions (2):

Illumina Laboratory Services, Illumina
Classification: Benign for Oculotrichoanal syndrome. Last evaluated: 2018-01-12. Review status: criteria provided, single submitter. Criteria: ICSL Variant Classification Criteria 13 December 2019. Collection method: clinical testing. Allele origin: germline.
Comment: This variant was observed in the ICSL laboratory as part of a predisposition screen in an ostensibly healthy population. It had not been previously curated by ICSL or reported in the Human Gene Mutation Database (HGMD: prior to June 1st, 2018), and was therefore a candidate for classification through an automated scoring system. Utilizing variant allele frequency, disease prevalence and penetrance estimates, and inheritance mode, an automated score was calculated to assess if this variant is too frequent to cause the disease. Based on the score and internal cut-off values, a variant classified as benign is not then subjected to further curation. The score for this variant resulted in a classification of benign for this disease.

Breakthrough Genomics
Classification: Benign. Review status: criteria provided, single submitter. Criteria: ACMG Guidelines, 2015. Collection method: not provided. Allele origin: germline. Inheritance: Autosomal recessive inheritance. Affected: yes.